The following is an entry in ClinVar:

ClinVar aggregate classification (germline): Pathogenic. Review status: criteria provided, single submitter (1 of 4 stars). 2 submissions from 2 submitters: Pathogenic (1). 1 of the submissions does not count toward it. Last evaluated 2020-10-28.

Conditions:
Tuberous sclerosis 2 (TSC2). Identifiers: Orphanet 805, MedGen C1860707, MONDO:0013199, OMIM 613254.
Tuberous sclerosis syndrome (TSC). Also called: Tuberous Sclerosis Complex; Tuberous sclerosis. Identifiers: Orphanet 805, MedGen C0041341, MONDO:0001734.

Submissions (2):

Labcorp Genetics (formerly Invitae), Labcorp
Classification: Pathogenic for Tuberous sclerosis 2. Last evaluated: 2020-10-28. Review status: criteria provided, single submitter. Criteria: Invitae Variant Classification Sherloc (09022015). Collection method: clinical testing. Allele origin: germline.
Comment: This variant has been observed in individual(s) with clinical features of tuberous sclerosis complex (PMID: 11520734). This variant is also known as 903-922del20 in the literature. ClinVar contains an entry for this variant (Variation ID: 49404). This variant is not present in population databases (ExAC no frequency). This sequence change creates a premature translational stop signal (p.Trp304Phefs*27) in the TSC2 gene. It is expected to result in an absent or disrupted protein product. Loss-of-function variants in TSC2 are known to be pathogenic (PMID: 10205261, 17304050). For these reasons, this variant has been classified as Pathogenic.

Tuberous sclerosis database (TSC2)
No classification provided. Condition: TSC. Review status: no classification provided. Criteria: Tuberous Sclerosis Database Assertion Criteria 2015. Collection method: curation. Allele origin: germline. Affected: yes. Not counted in ClinVar's aggregate classification.

Literature cited by the submitters: PubMed 11520734 (cited by Labcorp Genetics (formerly Invitae), Labcorp); PubMed 10205261 (cited by Labcorp Genetics (formerly Invitae), Labcorp); PubMed 17304050 (cited by Labcorp Genetics (formerly Invitae), Labcorp).

NM_000548.5(TSC2):c.909_928del (p.Trp304fs)

Gene: TSC2 (TSC complex subunit 2; plus strand). Cytogenetic location: 16p13.3.
Variant type: Deletion.
Coding change: c.909_928del on transcript NM_000548.5 (MANE Select); coding-DNA positions 909 to 928, 20 bases deleted (CTGGGGAGCCCACCGGCTCT).
Protein change: p.Trp304fs; shifts the reading frame from tryptophan 304.
Molecular consequence: frameshift variant.
Genome position (GRCh38, 1-based): chr16:2,058,807-2,058,826, CTGGGGAGCCCACCGGCTCT deleted; deleting any 20 consecutive bases within chr16:2,058,801-2,058,826 gives the same sequence; the c. name uses the placement nearest the transcript's 3' end. VCF-style (leftmost placement, unchanged base first): chr16-2058800-TGGCTCTCTGGGGAGCCCACC-T. GRCh37 (hg19) VCF-style: chr16-2108801-TGGCTCTCTGGGGAGCCCACC-T.
Other names: c.909_928del, p.Trp304fs (NM_001370405.1, NM_021055.3, NM_001077183.3 and 3 more transcripts); c.798_817del, p.Trp267fs (NM_001318827.2); c.762_781del, p.Trp255fs (NM_001318829.2); c.309_328del, p.Trp104fs (NM_001318831.2); c.942_961del, p.Trp315fs (NM_001318832.2); short protein forms W104fs, W267fs, W304fs, W255fs, W315fs.
Identifiers: ClinVar variation 49404 (VCV000049404.7), dbSNP rs137854012, ClinGen allele CA023092.